The following is an entry in ClinVar:

NM_016204.4(GDF2):c.998G>A (p.Arg333Gln)

Gene: GDF2 (growth differentiation factor 2; plus strand). Cytogenetic location: 10q11.22.
Variant type: single nucleotide variant.
Coding change: c.998G>A on transcript NM_016204.4 (MANE Select); coding-DNA position 998, G replaced by A.
Protein change: p.Arg333Gln; replaces arginine 333 with glutamine.
Molecular consequence: missense variant.
Genome position (GRCh38, 1-based): chr10:47,325,492, G>A. VCF-style: chr10-47325492-G-A. GRCh37 (hg19) VCF-style: chr10-48413870-C-T.
Other names: short protein forms R333Q.
Identifiers: ClinVar variation 1768822 (VCV001768822.3), dbSNP rs782307807, ClinGen allele CA5487968.

ClinVar aggregate classification (germline): Uncertain significance. Review status: criteria provided, multiple submitters, no conflicts (2 of 4 stars). 2 submissions from 2 submitters: Uncertain significance (2). Last evaluated 2026-01-30.

Conditions:
Cardiovascular phenotype. Identifiers: MedGen CN230736.
Telangiectasia, hereditary hemorrhagic, type 5 (HHT5). Identifiers: Orphanet 774, MedGen C3809710, MONDO:0014217, OMIM 615506.

Allele frequency attached by ClinVar (database versions not stated): gnomAD 0.00002.

Submissions (2):

Labcorp Genetics (formerly Invitae), Labcorp
Classification: Uncertain significance for Telangiectasia, hereditary hemorrhagic, type 5. Last evaluated: 2026-01-30. Review status: criteria provided, single submitter. Criteria: Invitae Variant Classification Sherloc (09022015). Collection method: clinical testing. Allele origin: germline.
Comment: This sequence change replaces arginine, which is basic and polar, with glutamine, which is neutral and polar, at codon 333 of the GDF2 protein (p.Arg333Gln). This variant is present in population databases (rs782307807, gnomAD 0.01%). This variant has not been reported in the literature in individuals affected with GDF2-related conditions. ClinVar contains an entry for this variant (Variation ID: 1768822). Invitae Evidence Modeling of protein sequence and biophysical properties (such as structural, functional, and spatial information, amino acid conservation, physicochemical variation, residue mobility, and thermodynamic stability) indicates that this missense variant is not expected to disrupt GDF2 protein function with a negative predictive value of 80%. Algorithms developed to predict the effect of sequence changes on RNA splicing suggest that this variant may create or strengthen a splice site. In summary, the available evidence is currently insufficient to determine the role of this variant in disease. Therefore, it has been classified as a Variant of Uncertain Significance.

Ambry Genetics
Classification: Uncertain significance for Cardiovascular phenotype. Last evaluated: 2022-03-14. Review status: criteria provided, single submitter. Criteria: Ambry Variant Classification Scheme 2023. Collection method: clinical testing. Allele origin: germline.
Comment: The p.R333Q variant (also known as c.998G>A), located in coding exon 2 of the GDF2 gene, results from a G to A substitution at nucleotide position 998. The arginine at codon 333 is replaced by glutamine, an amino acid with highly similar properties. This amino acid position is not well conserved in available vertebrate species. Since supporting evidence is limited at this time, the clinical significance of this alteration remains unclear.